The following is an entry in ClinVar:

NM_000297.4(PKD2):c.357_364delinsTAGGACG (p.Pro120fs)

Genes: PKD2 (polycystin 2, transient receptor potential cation channel; plus strand), LOC129992813 (ATAC-STARR-seq lymphoblastoid silent region 15559; plus strand). Cytogenetic location: 4q22.1.
Variant type: Indel.
Coding change: c.357_364delinsTAGGACG on transcript NM_000297.4 (MANE Select); coding-DNA positions 357 to 364, CCCGGGCA replaced by TAGGACG.
Protein change: p.Pro120fs; shifts the reading frame from proline 120.
Molecular consequence: frameshift variant. On other transcripts: non-coding transcript variant (1).
Genome position (GRCh38, 1-based): chr4:88,008,090-88,008,097, CCCGGGCA replaced by TAGGACG. VCF-style: chr4-88008090-CCCGGGCA-TAGGACG. GRCh37 (hg19) VCF-style: chr4-88929242-CCCGGGCA-TAGGACG.
Other names: short protein forms P120fs.
Identifiers: ClinVar variation 373955 (VCV000373955.5), dbSNP rs1057518797, ClinGen allele CA16043405.

ClinVar aggregate classification (germline): Pathogenic. Review status: criteria provided, multiple submitters, no conflicts (2 of 4 stars). 4 submissions from 2 submitters: Pathogenic (4). Last evaluated 2023-07-06.

Conditions:
Polycystic kidney disease. Also called: Kidney, Polycystic; Polycystic kidney dysplasia. Identifiers: MedGen C0022680, MeSH D007690, MONDO:0020642, HP:0000113.
PKD2-related disorder. Also called: PKD2-related condition.
Polycystic kidney disease 2 (PKD2). Also called: Polycystic Kidney Disease 2, Autosomal Dominant; POLYCYSTIC KIDNEY DISEASE, ADULT, TYPE II; POLYCYSTIC KIDNEY DISEASE 2 WITH OR WITHOUT POLYCYSTIC LIVER DISEASE. Identifiers: MedGen C2751306, MONDO:0013131, OMIM 613095.
Hypertensive disorder. Also called: Hypertension. Identifiers: MedGen C0020538, MONDO:0005044, HP:0000822.
Chronic kidney disease. Identifiers: MedGen C1561643, MONDO:0005300, HP:0012622.

Submissions (4):

Blueprint Genetics
Classification: Pathogenic for PKD2-related disorders. Last evaluated: 2023-07-06. Review status: criteria provided, single submitter. Criteria: ACMG Guidelines, 2015. Collection method: clinical testing. Allele origin: germline. Affected: yes. Observed: 1 variant allele.

Centre for Mendelian Genomics, University Medical Centre Ljubljana
Classification: Pathogenic for Polycystic kidney disease. Last evaluated: 2017-01-01. Review status: criteria provided, single submitter. Criteria: ACMG Guidelines, 2015. Collection method: clinical testing. Allele origin: unknown. Affected: yes.

Centre for Mendelian Genomics, University Medical Centre Ljubljana
Classification: Pathogenic for Polycystic kidney disease 2. Last evaluated: 2016-01-01. Review status: criteria provided, single submitter. Criteria: ACMG Guidelines, 2015. Collection method: clinical testing. Allele origin: unknown. Affected: yes.
Comment: This variant was classified as: Pathogenic.

Centre for Mendelian Genomics, University Medical Centre Ljubljana
Classification: Pathogenic for Chronic kidney disease; Hypertensive disorder; Polycystic kidney disease. Last evaluated: 2015-11-25. Review status: criteria provided, single submitter. Criteria: ACMG Guidelines, 2015. Collection method: clinical testing. Allele origin: unknown. Affected: yes.